The following is an entry in ClinVar:

ClinVar aggregate classification (germline): Likely benign (0 of 4 stars; one submission).

Conditions:
EP300-related disorder. Also called: EP300-related disorders; EP300-related condition.

Submission:

PreventionGenetics, part of Exact Sciences
Classification: Likely benign for EP300-related condition. Last evaluated: 2022-12-08. Review status: no assertion criteria provided. Collection method: clinical testing. Allele origin: germline.
Comment: This variant is classified as likely benign based on ACMG/AMP sequence variant interpretation guidelines (Richards et al. 2015 PMID: 25741868, with internal and published modifications).

NM_001429.4(EP300):c.5415C>T (p.Phe1805=)

Gene: EP300 (E1A binding protein p300; plus strand). Cytogenetic location: 22q13.2.
Variant type: single nucleotide variant.
Coding change: c.5415C>T on transcript NM_001429.4 (MANE Select); coding-DNA position 5415, C replaced by T.
Protein change: p.Phe1805=; no amino-acid change (phenylalanine 1805 retained).
Molecular consequence: synonymous variant.
Genome position (GRCh38, 1-based): chr22:41,177,126, C>T. VCF-style: chr22-41177126-C-T. GRCh37 (hg19) VCF-style: chr22-41573130-C-T.
Other names: c.5337C>T, p.Phe1779= (NM_001362843.2).
Identifiers: ClinVar variation 3354075 (VCV003354075.1).
Genomic context (GRCh38, chr22:41,177,126, plus strand): 5'-CATTGCCCTCTGCTGCTACCATGCCAAGCACTGCCAGGAGAACAAATGCCCGGTGCCGTT[C>T]TGCCTAAACATCAAGCAGAAGCTCCGGCAGCAACAGCTGCAGCACCGACTACAGCAGGCC-3'
Protein context (NP_001420.2, residues 1795-1815): HCQENKCPVP[Phe1805=]CLNIKQKLRQ